The following is an entry in ClinVar:

NM_178822.5(IGSF10):c.448T>G (p.Tyr150Asp)

Gene: IGSF10 (immunoglobulin superfamily member 10; minus strand). Cytogenetic location: 3q25.1.
Variant type: single nucleotide variant.
Coding change: c.448T>G on transcript NM_178822.5 (MANE Select); coding-DNA position 448, T replaced by G.
Protein change: p.Tyr150Asp; replaces tyrosine 150 with aspartic acid.
Molecular consequence: missense variant.
Genome position (GRCh38, 1-based): chr3:151,453,651, A>C on the plus strand (T>G on the coding strand, the complement: IGSF10 is on the minus strand). VCF-style: chr3-151453651-A-C. GRCh37 (hg19) VCF-style: chr3-151171439-A-C.
Other names: c.448T>G, p.Tyr150Asp (NM_001385060.1, NM_001385061.1, NM_001385062.1 and 1 more transcripts); c.448T>G (NM_178822.4); short protein forms Y150D.
Identifiers: ClinVar variation 1632872 (VCV001632872.11), dbSNP rs7619322, ClinGen allele CA2670753.

ClinVar aggregate classification (germline): Benign. Review status: criteria provided, multiple submitters, no conflicts (2 of 4 stars). 3 submissions from 3 submitters: Benign (2). 1 of the submissions does not count toward it. Last evaluated 2026-02-04.

Conditions:
IGSF10-related disorder. Also called: IGSF10-related condition.

Allele frequency attached by ClinVar (database versions not stated): TOPMed 0.71136; gnomAD exomes 0.72140 and 0.71829; 1000 Genomes Project 30x 0.72611; gnomAD 0.71189 and 0.70898; ESP Exome Variant Server 0.71452; 1000 Genomes Project 0.72784; ExAC 0.72388.
gnomAD v4.1: 1,157,920 of 1,612,830 alleles (72%); highest among the groups gnomAD compares: Middle Eastern, 83%; 416,931 homozygotes.

Submissions (3):

Labcorp Genetics (formerly Invitae), Labcorp
Classification: Benign. Last evaluated: 2026-02-04. Review status: criteria provided, single submitter. Criteria: Invitae Variant Classification Sherloc (09022015). Collection method: clinical testing. Allele origin: germline.

Breakthrough Genomics
Classification: Benign. Review status: criteria provided, single submitter. Criteria: ACMG Guidelines, 2015. Collection method: not provided. Allele origin: germline. Inheritance: Unknown mechanism. Affected: yes.

PreventionGenetics, part of Exact Sciences
Classification: Benign for IGSF10-related condition. Last evaluated: 2019-10-17. Review status: no assertion criteria provided. Collection method: clinical testing. Allele origin: germline. Not counted in ClinVar's aggregate classification.
Comment: This variant is classified as benign based on ACMG/AMP sequence variant interpretation guidelines (Richards et al. 2015 PMID: 25741868, with internal and published modifications).